The following is an entry in ClinVar:

NM_000304.4(PMP22):c.35A>G (p.His12Arg)

Gene: PMP22 (peripheral myelin protein 22; minus strand). Cytogenetic location: 17p12.
Variant type: single nucleotide variant.
Coding change: c.35A>G on transcript NM_000304.4 (MANE Select); coding-DNA position 35, A replaced by G.
Protein change: p.His12Arg; replaces histidine 12 with arginine.
Molecular consequence: missense variant.
Genome position (GRCh38, 1-based): chr17:15,260,693, T>C on the plus strand (A>G on the coding strand, the complement: PMP22 is on the minus strand). VCF-style: chr17-15260693-T-C. GRCh37 (hg19) VCF-style: chr17-15164010-T-C.
Other names: c.35A>G, p.His12Arg (NM_001281455.2, NM_001281456.2, NM_001330143.2 and 2 more transcripts); c.35A>G (NM_000304.2); short protein forms H12R.
Identifiers: ClinVar variation 835185 (VCV000835185.8), dbSNP rs1909248652, ClinGen allele CA398271731.
Genomic context (GRCh38, chr17:15,260,693, plus strand): 5'-CCCCGCCAGGCACTCACGCTGACGATCGTGGAGACGAACAGCAGCACCAGCACCGCGACG[T>C]GGAGGACGATGATACTCAGCAACAGGAGGAGCATTCTGGCGGCAAGTTCTGCTCAGCGGA-3'
Protein context (NP_000295.1, residues 2-22): LLLLLSIIVL[His12Arg]VAVLVLLFVS

ClinVar aggregate classification (germline): Pathogenic. Review status: criteria provided, multiple submitters, no conflicts (2 of 4 stars). 3 submissions from 3 submitters: Pathogenic (2). 1 of the submissions does not count toward it. Last evaluated 2025-08-21.

Conditions:
Charcot-Marie-Tooth disease, type I (CMT1). Also called: Charcot-Marie-Tooth disease type 1; Charcot-Marie-Tooth, Type 1. Identifiers: Orphanet 65753, MedGen C0751036, MONDO:0019011.
Charcot-Marie-Tooth disease, type IA (CMT1A). Also called: CHARCOT-MARIE-TOOTH DISEASE, AUTOSOMAL DOMINANT, WITH FOCALLY FOLDED MYELIN SHEATHS, TYPE 1A; CHARCOT-MARIE-TOOTH NEUROPATHY, TYPE 1A; HEREDITARY MOTOR AND SENSORY NEUROPATHY IA; CHARCOT-MARIE-TOOTH DISEASE, DEMYELINATING, TYPE 1A; Charcot-Marie-Tooth disease type 1A; CMT 1A. Identifiers: Orphanet 101081, MedGen C0270911, MONDO:0007309, OMIM 118220.

Submissions (3):

Labcorp Genetics (formerly Invitae), Labcorp
Classification: Pathogenic for Charcot-Marie-Tooth disease, type I. Last evaluated: 2025-08-21. Review status: criteria provided, single submitter. Criteria: Invitae Variant Classification Sherloc (09022015). Collection method: clinical testing. Allele origin: germline.
Comment: This sequence change replaces histidine, which is basic and polar, with arginine, which is basic and polar, at codon 12 of the PMP22 protein (p.His12Arg). This variant is not present in population databases (gnomAD no frequency). This missense change has been observed in individual(s) with clinical features of PMP22-related conditions (PMID: 35886002; internal data). In at least one individual the variant was observed to be de novo. ClinVar contains an entry for this variant (Variation ID: 835185). Invitae Evidence Modeling of protein sequence and biophysical properties (such as structural, functional, and spatial information, amino acid conservation, physicochemical variation, residue mobility, and thermodynamic stability) indicates that this missense variant is not expected to disrupt PMP22 protein function with a negative predictive value of 95%. Experimental studies have shown that this missense change affects PMP22 function (PMID: 10915775). This variant disrupts the p.His12 amino acid residue in PMP22. Other variant(s) that disrupt this residue have been determined to be pathogenic (PMID: 7728152, 10078969, 15474367, 26102530). This suggests that this residue is clinically significant, and that variants that disrupt this residue are likely to be disease-causing. For these reasons, this variant has been classified as Pathogenic.

GeneDx
Classification: Pathogenic. Last evaluated: 2025-04-24. Review status: criteria provided, single submitter. Criteria: GeneDx Variant Classification Process June 2021. Collection method: clinical testing. Allele origin: germline. Affected: yes.
Comment: Published in vivo functional studies demonstrated that mice carrying the H12R variant exhibit motor defects and have myelination defects in the sciatic nerve (PMID: 10915775); Not observed at significant frequency in large population cohorts (gnomAD); In silico analysis supports that this missense variant has a deleterious effect on protein structure/function; This variant is associated with the following publications: (PMID: 22551516, 18803325, 30685714, 37606798, 35886002, 10915775)

Gene Discovery Core-Manton Center, Boston Children's Hospital
Classification: Pathogenic for Charcot-Marie-Tooth disease, type IA. Last evaluated: 2020-02-14. Review status: no assertion criteria provided. Collection method: research. Allele origin: de novo. Affected: yes. Not counted in ClinVar's aggregate classification.
Comment: This variant is interpreted as Pathogenic for Charcot-Marie-Tooth disease, type I; Autosomal Dominant. PS2-De novo (both maternity and paternity confirmed) in a patient with the disease and no family history. PM1- Located in a mutational hot spot and/or critical and well-established functional domain (e.g., active site of an enzyme) without benign variation. PM2- Absent from controls (gnomad). PM5- Novel missense change at an amino acid residue where a different missense change determined to be pathogenic has been seen before (PMID: 7728152). PP2- Missense variant in a gene that has a low rate of benign missense variation and in which missense variants are a common mechanism of disease. PP3- Multiple lines of computational evidence support a deleterious effect on the gene or gene product (conservation, evolutionary, splicing impact, etc.). PP5: Reputable source recently reports variant as pathogenic, but the evidence is not available to the laboratory to perform an independent evaluation (PMIDs: 7728152, 10078969, 10915775, 15474367 and 26102530).

Literature cited by the submitters: PubMed 35886002 (cited by Labcorp Genetics (formerly Invitae), Labcorp); PubMed 10915775 (cited by Labcorp Genetics (formerly Invitae), Labcorp); PubMed 7728152 (cited by Labcorp Genetics (formerly Invitae), Labcorp); PubMed 10078969 (cited by Labcorp Genetics (formerly Invitae), Labcorp); PubMed 15474367 (cited by Labcorp Genetics (formerly Invitae), Labcorp); PubMed 26102530 (cited by Labcorp Genetics (formerly Invitae), Labcorp).